The following is an entry in ClinVar:

NM_003183.6(ADAM17):c.1015dup (p.Thr339fs)

Gene: ADAM17 (ADAM metallopeptidase domain 17; minus strand). Cytogenetic location: 2p25.1.
Variant type: Duplication.
Coding change: c.1015dup on transcript NM_003183.6 (MANE Select); coding-DNA position 1015, one base duplicated (A; older notation c.1015dupA).
Protein change: p.Thr339fs; shifts the reading frame from threonine 339.
Molecular consequence: frameshift variant.
Genome position (GRCh38, 1-based): chr2:9,518,190, T duplicated on the plus strand (A on the coding strand, the reverse complement: ADAM17 is on the minus strand). VCF-style (leftmost placement, unchanged base first): chr2-9518189-G-GT. GRCh37 (hg19) VCF-style: chr2-9658318-G-GT.
Other names: c.355dup, p.Thr119fs (NM_001382777.1); c.118dup, p.Thr40fs (NM_001382778.1); short protein forms T119fs, T40fs, T339fs.
Identifiers: ClinVar variation 2830713 (VCV002830713.3), dbSNP rs2527328347, ClinGen allele CA2739274133.

ClinVar aggregate classification (germline): Pathogenic (1 of 4 stars; one submission).

Conditions:
Inflammatory skin and bowel disease, neonatal, 1. Identifiers: Orphanet 294023, MedGen C3280501, MONDO:0013693, OMIM 614328.

Submission:

Labcorp Genetics (formerly Invitae), Labcorp
Classification: Pathogenic for Inflammatory skin and bowel disease, neonatal, 1. Last evaluated: 2023-01-31. Review status: criteria provided, single submitter. Criteria: Invitae Variant Classification Sherloc (09022015). Collection method: clinical testing. Allele origin: germline.
Comment: For these reasons, this variant has been classified as Pathogenic. This variant has not been reported in the literature in individuals affected with ADAM17-related conditions. This variant is not present in population databases (gnomAD no frequency). This sequence change creates a premature translational stop signal (p.Thr339Asnfs*6) in the ADAM17 gene. It is expected to result in an absent or disrupted protein product. Loss-of-function variants in ADAM17 are known to be pathogenic (PMID: 22010916, 25804906).

Literature cited by the submitters: PubMed 22010916; PubMed 25804906.